The following is an entry in ClinVar:

ClinVar aggregate classification (germline): Uncertain significance. Review status: criteria provided, multiple submitters, no conflicts (2 of 4 stars). 5 submissions from 5 submitters: Uncertain significance (5). Last evaluated 2025-04-29.

Conditions:
Classic or attenuated familial adenomatous polyposis. Identifiers: MedGen CN372698, MONDO:0021057.
Familial adenomatous polyposis 1 (FAP1). Also called: FAMILIAL ADENOMATOUS POLYPOSIS 1, ATTENUATED; POLYPOSIS, ADENOMATOUS INTESTINAL. Identifiers: MedGen C2713442, MONDO:0021056, OMIM 175100. Disease mechanism: loss of function.
Hereditary cancer-predisposing syndrome. Also called: Neoplastic Syndromes, Hereditary; Tumor predisposition; Hereditary Cancer Syndrome; Hereditary neoplastic syndrome. Identifiers: Orphanet 140162, MedGen C0027672, MeSH D009386, MONDO:0015356.

Allele frequency attached by ClinVar (database versions not stated): gnomAD exomes below 0.00001.
gnomAD v4.1: 1 of 1,613,208 alleles (0.000062%); highest among the groups gnomAD compares: Non-Finnish European, 0.000085%; no homozygotes.

Submissions (5):

GeneDx
Classification: Uncertain significance. Last evaluated: 2025-04-29. Review status: criteria provided, single submitter. Criteria: GeneDx Variant Classification Process June 2021. Collection method: clinical testing. Allele origin: germline. Affected: yes.
Comment: Not observed at significant frequency in large population cohorts (gnomAD); In silico analysis supports that this missense variant has a deleterious effect on protein structure/function; Has not been previously published as pathogenic or benign to our knowledge; This variant is associated with the following publications: (PMID: 18199528)

Labcorp Genetics (formerly Invitae), Labcorp
Classification: Uncertain significance for Familial adenomatous polyposis 1. Last evaluated: 2024-05-22. Review status: criteria provided, single submitter. Criteria: Invitae Variant Classification Sherloc (09022015). Collection method: clinical testing. Allele origin: germline.
Comment: This sequence change replaces leucine, which is neutral and non-polar, with phenylalanine, which is neutral and non-polar, at codon 456 of the APC protein (p.Leu456Phe). This variant is not present in population databases (gnomAD no frequency). This variant has not been reported in the literature in individuals affected with APC-related conditions. ClinVar contains an entry for this variant (Variation ID: 233102). Advanced modeling of protein sequence and biophysical properties (such as structural, functional, and spatial information, amino acid conservation, physicochemical variation, residue mobility, and thermodynamic stability) performed at Invitae indicates that this missense variant is not expected to disrupt APC protein function with a negative predictive value of 95%. In summary, the available evidence is currently insufficient to determine the role of this variant in disease. Therefore, it has been classified as a Variant of Uncertain Significance.

All of Us Research Program, National Institutes of Health
Classification: Uncertain significance for Classic or attenuated familial adenomatous polyposis. Last evaluated: 2024-02-22. Review status: criteria provided, single submitter. Criteria: ACMG Guidelines, 2015. Collection method: clinical testing. Allele origin: germline. Inheritance: Autosomal dominant inheritance. Observed: 1 variant allele, 1 heterozygote.
Comment: This missense variant replaces leucine with phenylalanine at codon 456 of the APC protein. Computational prediction suggests that this variant may not impact protein structure and function (internally defined REVEL score threshold <= 0.5, PMID: 27666373). To our knowledge, functional studies have not been reported for this variant. This variant has not been reported in individuals affected with APC-related disorders in the literature. This variant has not been identified in the general population by the Genome Aggregation Database (gnomAD). The available evidence is insufficient to determine the role of this variant in disease conclusively. Therefore, this variant is classified as a Variant of Uncertain Significance.

This study involves interpretation of variants in research participants for the purpose of population health screening. Participant phenotype was not available at the time of variant classification. Additional details can be found in publication PMID: 35346344, PMCID: PMC8962531

Ambry Genetics
Classification: Uncertain significance for Hereditary cancer-predisposing syndrome. Last evaluated: 2024-02-16. Review status: criteria provided, single submitter. Criteria: Ambry Variant Classification Scheme 2023. Collection method: clinical testing. Allele origin: germline.
Comment: The p.L456F variant (also known as c.1366C>T), located in coding exon 10 of the APC gene, results from a C to T substitution at nucleotide position 1366. The leucine at codon 456 is replaced by phenylalanine, an amino acid with highly similar properties. This amino acid position is highly conserved in available vertebrate species. In addition, in silico predictors for this gene do not accurately predict pathogenicity. Since supporting evidence is limited at this time, the clinical significance of this alteration remains unclear.

Women's Health and Genetics/Laboratory Corporation of America, LabCorp
Classification: Uncertain significance. Last evaluated: 2017-03-30. Review status: criteria provided, single submitter. Criteria: LabCorp Variant Classification Summary - May 2015. Collection method: clinical testing. Allele origin: germline.
Comment: Variant summary: The APC c.1366C>T (p.Leu456Phe) variant located in the Armadillo-like helical domain (via InterPro) involves the alteration of a conserved nucleotide and 3/4 in silico tools (SNPs&GO not captured due to low reliability index) predict a damaging outcome. However, these predictions have yet to be functionally assessed. The variant of interest was not observed in 120344 control chromosomes (ExAC). The variant of interest has not been, to our knowledge, reported in affected individuals via publications, although a clinical diagnostic laboratory cites the variant with a classification of "uncertain significance." Therefore, until additional information becomes available (ie, clinical and functional studies), the variant of interest has been classified as a "Variant of Uncertain Significance (VUS)."

NM_000038.6(APC):c.1366C>T (p.Leu456Phe)

Gene: APC (APC regulator of Wnt signaling pathway; plus strand). Cytogenetic location: 5q22.2.
Variant type: single nucleotide variant.
Coding change: c.1366C>T on transcript NM_000038.6 (MANE Select); coding-DNA position 1366, C replaced by T.
Protein change: p.Leu456Phe; replaces leucine 456 with phenylalanine.
Molecular consequence: missense variant.
Genome position (GRCh38, 1-based): chr5:112,821,949, C>T. VCF-style: chr5-112821949-C-T. GRCh37 (hg19) VCF-style: chr5-112157646-C-T.
Other names: c.1366C>T, p.Leu456Phe (NM_001127510.3, NM_001354895.2, NM_001354896.2); c.1312C>T, p.Leu438Phe (NM_001127511.3); c.1396C>T, p.Leu466Phe (NM_001354897.2); c.1291C>T, p.Leu431Phe (NM_001354898.2); c.1282C>T, p.Leu428Phe (NM_001354899.2); c.1189C>T, p.Leu397Phe (NM_001354900.2, NM_001354901.2); c.1093C>T, p.Leu365Phe (NM_001354902.2); c.1063C>T, p.Leu355Phe (NM_001354903.2); and 3 more; short protein forms L438F, L456F, L355F, L365F, L466F, L173F, L330F, L428F.
Identifiers: ClinVar variation 233102 (VCV000233102.19), dbSNP rs876660195, ClinGen allele CA10578315.